The following is an entry in ClinVar:

ClinVar aggregate classification (germline): Likely benign. Review status: criteria provided, multiple submitters, no conflicts (2 of 4 stars). 3 submissions from 3 submitters: Likely benign (2). 1 of the submissions does not count toward it. Last evaluated 2024-04-01.

Conditions:
ADAMTS17-related disorder. Also called: ADAMTS17-related condition.

Allele frequency attached by ClinVar (database versions not stated): ExAC 0.00002; gnomAD 0.00003; gnomAD exomes 0.00004; 1000 Genomes Project 30x 0.00016.
gnomAD v4.1: 39 of 1,614,148 alleles (0.0024%); highest among the groups gnomAD compares: East Asian, 0.0089%; no homozygotes.

Submissions (3):

Labcorp Genetics (formerly Invitae), Labcorp
Classification: Likely benign. Last evaluated: 2024-04-01. Review status: criteria provided, single submitter. Criteria: Invitae Variant Classification Sherloc (09022015). Collection method: clinical testing. Allele origin: germline.

Blueprint Genetics
Classification: Likely benign. Last evaluated: 2023-02-27. Review status: criteria provided, single submitter. Criteria: ACMG Guidelines, 2015. Collection method: clinical testing. Allele origin: germline.

PreventionGenetics, part of Exact Sciences
Classification: Likely benign for ADAMTS17-related condition. Last evaluated: 2019-02-25. Review status: no assertion criteria provided. Collection method: clinical testing. Allele origin: germline. Not counted in ClinVar's aggregate classification.
Comment: This variant is classified as likely benign based on ACMG/AMP sequence variant interpretation guidelines (Richards et al. 2015 PMID: 25741868, with internal and published modifications).

NM_139057.4(ADAMTS17):c.2517C>T (p.Asn839=)

Gene: ADAMTS17 (ADAM metallopeptidase with thrombospondin type 1 motif 17; minus strand). Cytogenetic location: 15q26.3.
Variant type: single nucleotide variant.
Coding change: c.2517C>T on transcript NM_139057.4 (MANE Select); coding-DNA position 2517, C replaced by T.
Protein change: p.Asn839=; no amino-acid change (asparagine 839 retained).
Molecular consequence: synonymous variant.
Genome position (GRCh38, 1-based): chr15:100,048,931, G>A on the plus strand (C>T on the coding strand, the complement: ADAMTS17 is on the minus strand). VCF-style: chr15-100048931-G-A. GRCh37 (hg19) VCF-style: chr15-100589136-G-A.
Other names: c.2517C>T (NM_139057.3).
Identifiers: ClinVar variation 1570433 (VCV001570433.10), dbSNP rs750422781, ClinGen allele CA7757692.